The following is an entry in ClinVar:

NM_182916.3(TRNT1):c.395A>G (p.Asp132Gly)

Gene: TRNT1 (tRNA nucleotidyl transferase 1; plus strand). Cytogenetic location: 3p26.2.
Variant type: single nucleotide variant.
Coding change: c.395A>G on transcript NM_182916.3 (MANE Select); coding-DNA position 395, A replaced by G.
Protein change: p.Asp132Gly; replaces aspartic acid 132 with glycine.
Molecular consequence: missense variant. On other transcripts: non-coding transcript variant (6).
Genome position (GRCh38, 1-based): chr3:3,140,562, A>G. VCF-style: chr3-3140562-A-G. GRCh37 (hg19) VCF-style: chr3-3182246-A-G.
Other names: c.395A>G (NM_182916.2); c.395A>G, p.Asp132Gly (NM_001302946.2, NM_001367321.1, NM_001367322.1 and 1 more transcripts); short protein forms D132G.
Identifiers: ClinVar variation 1449839 (VCV001449839.5), dbSNP rs773948765, ClinGen allele CA351443931.

ClinVar aggregate classification (germline): Uncertain significance. Review status: criteria provided, multiple submitters, no conflicts (2 of 4 stars). 3 submissions from 3 submitters: Uncertain significance (3). Last evaluated 2025-10-22.

Conditions:
Inborn genetic diseases. Identifiers: MedGen C0950123, MeSH D030342.
Congenital sideroblastic anemia-B-cell immunodeficiency-periodic fever-developmental delay syndrome. Also called: Sideroblastic anemia with B-cell immunodeficiency, periodic fevers, and developmental delay. Identifiers: Orphanet 369861, MedGen C4015172, MONDO:0014487, OMIM 616084.

Allele frequency attached by ClinVar (database versions not stated): gnomAD 0.00002.
gnomAD v4.1: 36 of 1,614,082 alleles (0.0022%); highest among the groups gnomAD compares: Non-Finnish European, 0.003%; no homozygotes.

Submissions (3):

Ambry Genetics
Classification: Uncertain significance for Inborn genetic diseases. Last evaluated: 2025-10-22. Review status: criteria provided, single submitter. Criteria: Ambry Variant Classification Scheme 2023. Collection method: clinical testing. Allele origin: germline.

Blueprint Genetics
Classification: Uncertain significance. Last evaluated: 2024-09-03. Review status: criteria provided, single submitter. Criteria: ACMG Guidelines, 2015. Collection method: clinical testing. Allele origin: germline.

Labcorp Genetics (formerly Invitae), Labcorp
Classification: Uncertain significance for Congenital sideroblastic anemia-B-cell immunodeficiency-periodic fever-developmental delay syndrome. Last evaluated: 2021-08-27. Review status: criteria provided, single submitter. Criteria: Invitae Variant Classification Sherloc (09022015). Collection method: clinical testing. Allele origin: germline.
Comment: This sequence change replaces aspartic acid with glycine at codon 132 of the TRNT1 protein (p.Asp132Gly). The aspartic acid residue is highly conserved and there is a moderate physicochemical difference between aspartic acid and glycine. This variant is not present in population databases (ExAC no frequency). This variant has not been reported in the literature in individuals affected with TRNT1-related conditions. Algorithms developed to predict the effect of missense changes on protein structure and function are either unavailable or do not agree on the potential impact of this missense change (SIFT: "Deleterious"; PolyPhen-2: "Probably Damaging"; Align-GVGD: "Class C15"). In summary, the available evidence is currently insufficient to determine the role of this variant in disease. Therefore, it has been classified as a Variant of Uncertain Significance.